The following is an entry in ClinVar:

NM_015311.3(OBSL1):c.2697C>T (p.Ile899=)

Gene: OBSL1 (obscurin like cytoskeletal adaptor 1; minus strand). Cytogenetic location: 2q35.
Variant type: single nucleotide variant.
Coding change: c.2697C>T on transcript NM_015311.3 (MANE Select); coding-DNA position 2697, C replaced by T.
Protein change: p.Ile899=; no amino-acid change (isoleucine 899 retained).
Molecular consequence: synonymous variant.
Genome position (GRCh38, 1-based): chr2:219,562,658, G>A on the plus strand (C>T on the coding strand, the complement: OBSL1 is on the minus strand). VCF-style: chr2-219562658-G-A. GRCh37 (hg19) VCF-style: chr2-220427380-G-A.
Other names: c.2697C>T, p.Ile899= (NM_001173408.2, NM_001173431.2).
Identifiers: ClinVar variation 733285 (VCV000733285.13), dbSNP rs745830430, ClinGen allele CA2131114.

ClinVar aggregate classification (germline): Likely benign. Review status: criteria provided, multiple submitters, no conflicts (2 of 4 stars). 4 submissions from 4 submitters: Likely benign (3). 1 of the submissions does not count toward it. Last evaluated 2026-01-17.

Conditions:
OBSL1-related disorder. Also called: OBSL1-related condition.

Allele frequency attached by ClinVar (database versions not stated): gnomAD 0.00003; ExAC 0.00008; TOPMed 0.00020; gnomAD exomes 0.00051.
gnomAD v4.1: 139 of 1,553,654 alleles (0.0089%); highest among the groups gnomAD compares: Admixed American, 0.19%; no homozygotes.

Submissions (4):

Labcorp Genetics (formerly Invitae), Labcorp
Classification: Likely benign. Last evaluated: 2026-01-17. Review status: criteria provided, single submitter. Criteria: Invitae Variant Classification Sherloc (09022015). Collection method: clinical testing. Allele origin: germline.

Women's Health and Genetics/Laboratory Corporation of America, LabCorp
Classification: Likely benign. Last evaluated: 2025-01-06. Review status: criteria provided, single submitter. Criteria: LabCorp Variant Classification Summary - May 2015. Collection method: clinical testing. Allele origin: germline.

Blueprint Genetics
Classification: Likely benign. Last evaluated: 2024-03-22. Review status: criteria provided, single submitter. Criteria: ACMG Guidelines, 2015. Collection method: clinical testing. Allele origin: germline.

PreventionGenetics, part of Exact Sciences
Classification: Likely benign for OBSL1-related condition. Last evaluated: 2019-02-25. Review status: no assertion criteria provided. Collection method: clinical testing. Allele origin: germline. Not counted in ClinVar's aggregate classification.
Comment: This variant is classified as likely benign based on ACMG/AMP sequence variant interpretation guidelines (Richards et al. 2015 PMID: 25741868, with internal and published modifications).